The following is an entry in ClinVar:

NM_002430.3(MN1):c.1596G>A (p.Gln532=)

Gene: MN1 (MN1 proto-oncogene, transcriptional regulator; minus strand). Cytogenetic location: 22q12.1.
Variant type: single nucleotide variant.
Coding change: c.1596G>A on transcript NM_002430.3 (MANE Select); coding-DNA position 1596, G replaced by A.
Protein change: p.Gln532=; no amino-acid change (glutamine 532 retained).
Molecular consequence: synonymous variant.
Genome position (GRCh38, 1-based): chr22:27,798,948, C>T on the plus strand (G>A on the coding strand, the complement: MN1 is on the minus strand). VCF-style: chr22-27798948-C-T. GRCh37 (hg19) VCF-style: chr22-28194936-C-T.
Identifiers: ClinVar variation 2653028 (VCV002653028.24), dbSNP rs45597040, ClinGen allele CA10166390.

ClinVar aggregate classification (germline): Likely benign (1 of 4 stars; one submission).

Allele frequency attached by ClinVar (database versions not stated): gnomAD 0.00017; ExAC 0.00104.

Submission:

CeGaT Center for Human Genetics Tuebingen
Classification: Likely benign. Last evaluated: 2023-03-01. Review status: criteria provided, single submitter. Criteria: CeGaT Center For Human Genetics Tuebingen Variant Classification Criteria Version 2. Collection method: clinical testing. Allele origin: germline. Affected: yes. Observed: 2 variant alleles.
Comment: MN1: BP4, BP7